The following is an entry in ClinVar:

NM_004438.5(EPHA4):c.961G>A (p.Ala321Thr)

Gene: EPHA4 (EPH receptor A4; minus strand). Cytogenetic location: 2q36.1.
Variant type: single nucleotide variant.
Coding change: c.961G>A on transcript NM_004438.5 (MANE Select); coding-DNA position 961, G replaced by A.
Protein change: p.Ala321Thr; replaces alanine 321 with threonine.
Molecular consequence: missense variant.
Genome position (GRCh38, 1-based): chr2:221,501,035, C>T on the plus strand (G>A on the coding strand, the complement: EPHA4 is on the minus strand). VCF-style: chr2-221501035-C-T. GRCh37 (hg19) VCF-style: chr2-222365755-C-T.
Other names: c.961G>A, p.Ala321Thr (NM_001304536.2, NM_001363748.2); c.808G>A, p.Ala270Thr (NM_001304537.2); short protein forms A321T, A270T.
Identifiers: ClinVar variation 3509290 (VCV003509290.3).
Genomic context (GRCh38, chr2:221,501,035, plus strand): 5'-GCTGTTGGCATCACAGGAATGAGAGACAAGCATACAACTTACGGGTGCAGGGCATAGAGG[C>T]AGCATCGTTGTCAGCTCTGAAAAAGCCTCGGTCACAGGTGCACGAGGTGGCTCCTTCCCA-3'
Protein context (NP_004429.1, residues 311-331): RGFFRADNDA[Ala321Thr]SMPCTRPPSA

ClinVar aggregate classification (germline): Uncertain significance. Review status: criteria provided, multiple submitters, no conflicts (2 of 4 stars). 2 submissions from 2 submitters: Uncertain significance (2). Last evaluated 2024-09-20.

gnomAD v4.1: 3 of 1,610,812 alleles (0.00019%); highest among the groups gnomAD compares: Admixed American, 0.0017%; no homozygotes.

Submissions (2):

Labcorp Genetics (formerly Invitae), Labcorp
Classification: Uncertain significance. Last evaluated: 2024-09-20. Review status: criteria provided, single submitter. Criteria: Invitae Variant Classification Sherloc (09022015). Collection method: clinical testing. Allele origin: germline.
Comment: This sequence change replaces alanine, which is neutral and non-polar, with threonine, which is neutral and polar, at codon 321 of the EPHA4 protein (p.Ala321Thr). This variant is not present in population databases (gnomAD no frequency). This variant has not been reported in the literature in individuals affected with EPHA4-related conditions. Invitae Evidence Modeling of protein sequence and biophysical properties (such as structural, functional, and spatial information, amino acid conservation, physicochemical variation, residue mobility, and thermodynamic stability) indicates that this missense variant is not expected to disrupt EPHA4 protein function with a negative predictive value of 80%. In summary, the available evidence is currently insufficient to determine the role of this variant in disease. Therefore, it has been classified as a Variant of Uncertain Significance.

Ambry Genetics
Classification: Uncertain significance. Last evaluated: 2024-08-07. Review status: criteria provided, single submitter. Criteria: Ambry Variant Classification Scheme 2023. Collection method: clinical testing. Allele origin: germline.